The following is an entry in ClinVar:

ClinVar aggregate classification (germline): Pathogenic/Likely pathogenic. Review status: criteria provided, multiple submitters, no conflicts (2 of 4 stars). 5 submissions from 5 submitters: Pathogenic (2); Likely pathogenic (1). 2 of the submissions do not count toward it. Last evaluated 2024-04-16.

Conditions:
Houge-Janssens syndrome 3. Also called: NEURODEVELOPMENTAL DISORDER AND LANGUAGE DELAY WITH OR WITHOUT STRUCTURAL BRAIN ABNORMALITIES. Identifiers: MedGen C5193048, MONDO:0032697, OMIM 618354.

Allele frequency attached by ClinVar (database versions not stated): TOPMed below 0.00001.

Submissions (5):

GeneDx
Classification: Pathogenic. Last evaluated: 2024-04-16. Review status: criteria provided, single submitter. Criteria: GeneDx Variant Classification Process June 2021. Collection method: clinical testing. Allele origin: germline. Affected: yes.
Comment: Not observed at significant frequency in large population cohorts (gnomAD); In silico analysis supports that this missense variant has a deleterious effect on protein structure/function; This variant is associated with the following publications: (PMID: 33057194, 35982159, 30595372, 34241636, 34228795, 29051493, 35710456, 28333917)

Labcorp Genetics (formerly Invitae), Labcorp
Classification: Pathogenic. Last evaluated: 2022-07-19. Review status: criteria provided, single submitter. Criteria: Invitae Variant Classification Sherloc (09022015). Collection method: clinical testing. Allele origin: germline.
Comment: This sequence change replaces histidine, which is basic and polar, with arginine, which is basic and polar, at codon 191 of the PPP2CA protein (p.His191Arg). For these reasons, this variant has been classified as Pathogenic. Algorithms developed to predict the effect of sequence changes on RNA splicing suggest that this variant may create or strengthen a splice site. Experimental studies have shown that this missense change affects PPP2CA function (PMID: 30595372). Algorithms developed to predict the effect of missense changes on protein structure and function are either unavailable or do not agree on the potential impact of this missense change (SIFT: "Deleterious"; PolyPhen-2: "Benign"; Align-GVGD: "Class C0"). ClinVar contains an entry for this variant (Variation ID: 620078). This missense change has been observed in individual(s) with clinical features of intellectual disability syndrome (PMID: 28333917, 29051493, 30595372). In at least one individual the variant was observed to be de novo. This variant is not present in population databases (gnomAD no frequency).

SIB Swiss Institute of Bioinformatics
Classification: Likely pathogenic for Houge-Janssens syndrome 3. Last evaluated: 2019-07-15. Review status: criteria provided, single submitter. Criteria: ACMG Guidelines, 2015. Collection method: curation. Allele origin: unknown.
Comment: This variant is interpreted as a Likely pathogenic for Neurodevelopmental disorder and language delay with or without structural brain abnormalities, autosomal dominant. The following ACMG Tag(s) were applied: PM2, PM6, PS3.

OMIM
Classification: Pathogenic for HOUGE-JANSSENS SYNDROME 3. Last evaluated: 2023-11-10. Review status: no assertion criteria provided. Collection method: literature only. Allele origin: germline. Not counted in ClinVar's aggregate classification.

Joint Genome Diagnostic Labs from Nijmegen and Maastricht, Radboudumc and MUMC+
Classification: Pathogenic. Review status: no assertion criteria provided. Collection method: clinical testing. Allele origin: germline. Affected: yes. Not counted in ClinVar's aggregate classification.

Literature cited by the submitters: PubMed 30595372 (cited by 3 submitters); PubMed 28333917 (cited by Labcorp Genetics (formerly Invitae), Labcorp); PubMed 29051493 (cited by Labcorp Genetics (formerly Invitae), Labcorp).

NM_002715.4(PPP2CA):c.572A>G (p.His191Arg)

Gene: PPP2CA (protein phosphatase 2 catalytic subunit alpha; minus strand). Cytogenetic location: 5q31.1.
Variant type: single nucleotide variant.
Coding change: c.572A>G on transcript NM_002715.4 (MANE Select); coding-DNA position 572, A replaced by G.
Protein change: p.His191Arg; replaces histidine 191 with arginine.
Molecular consequence: missense variant. On other transcripts: non-coding transcript variant (1).
Genome position (GRCh38, 1-based): chr5:134,200,989, T>C on the plus strand (A>G on the coding strand, the complement: PPP2CA is on the minus strand). VCF-style: chr5-134200989-T-C. GRCh37 (hg19) VCF-style: chr5-133536680-T-C.
Other names: c.377A>G, p.His126Arg (NM_001355019.2); short protein forms H191R, H126R.
Identifiers: ClinVar variation 620078 (VCV000620078.10), dbSNP rs915349596, ClinGen allele CA127927380.